The following is an entry in ClinVar:

ClinVar aggregate classification (germline): Pathogenic (1 of 4 stars; one submission).

Conditions:
Oculocutaneous albinism. Identifiers: Orphanet 55, MedGen C0078918, MONDO:0018910.

Submission:

Women's Health and Genetics/Laboratory Corporation of America, LabCorp
Classification: Pathogenic for Oculocutaneous albinism. Last evaluated: 2025-02-10. Review status: criteria provided, single submitter. Criteria: LabCorp Variant Classification Summary - May 2015. Collection method: clinical testing. Allele origin: germline.
Comment: Variant summary: TYR c.1105delT (p.Tyr369IlefsX2) results in a premature termination codon, predicted to cause a truncation of the encoded protein or absence of the protein due to nonsense mediated decay, which are commonly known mechanisms for disease. The variant was absent in 250962 control chromosomes. To our knowledge, no occurrence of c.1105delT in individuals affected with Oculocutaneous Albinism and no experimental evidence demonstrating its impact on protein function have been reported. No submitters have cited clinical-significance assessments for this variant to ClinVar. Based on the evidence outlined above, the variant was classified as pathogenic.

NM_000372.5(TYR):c.1105del (p.Tyr369fs)

Gene: TYR (tyrosinase; plus strand). Cytogenetic location: 11q14.3.
Variant type: Deletion.
Coding change: c.1105del on transcript NM_000372.5 (MANE Select); coding-DNA position 1105, one base deleted (T; older notation c.1105delT).
Protein change: p.Tyr369fs; shifts the reading frame from tyrosine 369.
Molecular consequence: frameshift variant.
Genome position (GRCh38, 1-based): chr11:89,227,891, T deleted. VCF-style (leftmost placement, unchanged base first): chr11-89227890-CT-C. GRCh37 (hg19) VCF-style: chr11-88961058-CT-C.
Other names: c.1105delT (NM_000372.5); short protein forms Y369fs.
Identifiers: ClinVar variation 3768662 (VCV003768662.1).
Genomic context (GRCh38, chr11:89,227,890, plus strand): 5'-TAGTCCACTTACTGGGATAGCGGATGCCTCTCAAAGCAGCATGCACAATGCCTTGCACAT[CT>C]ATATGAATGGAACAATGTCCCAGGTACAGGGATCTGCCAACGATCCTATCTTCCTTCTTC-3'